The following is an entry in ClinVar:

ClinVar aggregate classification (germline): Uncertain significance (1 of 4 stars; one submission).

Submission:

GeneDx
Classification: Uncertain significance. Last evaluated: 2024-12-16. Review status: criteria provided, single submitter. Criteria: GeneDx Variant Classification Process June 2021. Collection method: clinical testing. Allele origin: germline. Affected: yes.
Comment: Not observed at significant frequency in large population cohorts (gnomAD); In silico analysis indicates that this missense variant does not alter protein structure/function; Has not been previously published as pathogenic or benign to our knowledge

NM_001256012.3(MYH10):c.2879C>G (p.Ser960Cys)

Gene: MYH10 (myosin heavy chain 10; minus strand). Cytogenetic location: 17p13.1.
Variant type: single nucleotide variant.
Coding change: c.2879C>G on transcript NM_001256012.3 (MANE Select); coding-DNA position 2879, C replaced by G.
Protein change: p.Ser960Cys; replaces serine 960 with cysteine.
Molecular consequence: missense variant.
Genome position (GRCh38, 1-based): chr17:8,512,524, G>C on the plus strand (C>G on the coding strand, the complement: MYH10 is on the minus strand). VCF-style: chr17-8512524-G-C. GRCh37 (hg19) VCF-style: chr17-8415842-G-C.
Other names: c.2813C>G, p.Ser938Cys (NM_001256095.2); c.2816C>G, p.Ser939Cys (NM_001375266.1); c.2786C>G, p.Ser929Cys (NM_005964.5); short protein forms S929C, S938C, S939C, S960C.
Identifiers: ClinVar variation 3906732 (VCV003906732.1).